The following is an entry in ClinVar:

NM_020299.5(AKR1B10):c.666G>A (p.Lys222=)

Gene: AKR1B10 (aldo-keto reductase family 1 member B10; plus strand). Cytogenetic location: 7q33.
Variant type: single nucleotide variant.
Coding change: c.666G>A on transcript NM_020299.5 (MANE Select); coding-DNA position 666, G replaced by A.
Protein change: p.Lys222=; no amino-acid change (lysine 222 retained).
Molecular consequence: synonymous variant.
Genome position (GRCh38, 1-based): chr7:134,537,586, G>A. VCF-style: chr7-134537586-G-A. GRCh37 (hg19) VCF-style: chr7-134222338-G-A.
Identifiers: ClinVar variation 3025739 (VCV003025739.22), dbSNP rs2257306, ClinGen allele CA167016280.

ClinVar aggregate classification (germline): Likely benign (1 of 4 stars; one submission).

Allele frequency attached by ClinVar (database versions not stated): gnomAD exomes 0.00001; gnomAD 0.00003.
gnomAD v4.1: 26 of 1,613,676 alleles (0.0016%); highest among the groups gnomAD compares: Admixed American, 0.012%; no homozygotes.

Submission:

CeGaT Center for Human Genetics Tuebingen
Classification: Likely benign. Last evaluated: 2022-09-01. Review status: criteria provided, single submitter. Criteria: CeGaT Center For Human Genetics Tuebingen Variant Classification Criteria Version 2. Collection method: clinical testing. Allele origin: germline. Affected: yes. Observed: 1 variant allele.
Comment: AKR1B10: BP4, BP7